The following is an entry in ClinVar:

ClinVar aggregate classification (germline): Likely benign. Review status: criteria provided, multiple submitters, no conflicts (2 of 4 stars). 2 submissions from 2 submitters: Likely benign (2). Last evaluated 2025-01-29.

Conditions:
Hereditary nonpolyposis colorectal neoplasms. Identifiers: MedGen C0009405, MeSH D003123.
Lynch syndrome 4 (LYNCH4). Also called: Hereditary non-polyposis colorectal cancer, type 4; Colorectal cancer, hereditary nonpolyposis, type 4. Identifiers: Orphanet 144, MedGen C1838333, MONDO:0013699, OMIM 614337. Disease mechanism: loss of function.

gnomAD v4.1: 1 of 1,347,406 alleles (0.000074%); no homozygotes.

Submissions (2):

Myriad Genetics, Inc.
Classification: Likely benign for Lynch syndrome 4. Last evaluated: 2025-01-29. Review status: criteria provided, single submitter. Criteria: Myriad Autosomal Dominant, Autosomal Recessive and X-Linked Classification Criteria (2023). Collection method: clinical testing. Allele origin: unknown.
Comment: This variant is considered likely benign. This variant is intronic and is not expected to impact mRNA splicing.

Labcorp Genetics (formerly Invitae), Labcorp
Classification: Likely benign for Hereditary nonpolyposis colorectal neoplasms. Last evaluated: 2023-08-11. Review status: criteria provided, single submitter. Criteria: Invitae Variant Classification Sherloc (09022015). Collection method: clinical testing. Allele origin: germline.

NM_000535.7(PMS2):c.904-17C>T

Gene: PMS2 (PMS1 homolog 2, mismatch repair system component; minus strand). Cytogenetic location: 7p22.1.
Variant type: single nucleotide variant.
Coding change: c.904-17C>T on transcript NM_000535.7 (MANE Select); 17 bases into the intron before coding-DNA position 904, C replaced by T.
Molecular consequence: intron variant.
Genome position (GRCh38, 1-based): chr7:5,992,074, G>A on the plus strand (C>T on the coding strand, the complement: PMS2 is on the minus strand). VCF-style: chr7-5992074-G-A. GRCh37 (hg19) VCF-style: chr7-6031705-G-A.
Other names: c.586-17C>T (NM_001322008.2, NM_001322007.2); c.499-17C>T (NM_001322010.2, NM_001322004.2, NM_001322003.2 and 2 more transcripts); c.331-17C>T (NM_001322013.2); c.-30-17C>T (NM_001322012.2, NM_001322011.2); c.595-17C>T (NM_001322015.2); c.904-17C>T (NM_001322006.2, NM_001322014.2).
Identifiers: ClinVar variation 2030138 (VCV002030138.5), dbSNP rs758503886, ClinGen allele CA2580076792.
Genomic context (GRCh38, chr7:5,992,074, plus strand): 5'-TGTCGATTATACATGTGGTAGACCTCATTCACGAGTCTGCAGACCTGCACAAAATACAAG[G>A]AGTAGAAAAGAATAAATGACAAATGTTCCCAGCCCCCCGCATTCTAACAACATTCTATTC-3'